The following is an entry in ClinVar:

ClinVar aggregate classification (germline): Uncertain significance (1 of 4 stars; one submission).

Submission:

Labcorp Genetics (formerly Invitae), Labcorp
Classification: Uncertain significance. Last evaluated: 2024-07-10. Review status: criteria provided, single submitter. Criteria: Invitae Variant Classification Sherloc (09022015). Collection method: clinical testing. Allele origin: germline.
Comment: This sequence change replaces tyrosine, which is neutral and polar, with serine, which is neutral and polar, at codon 985 of the CHD4 protein (p.Tyr985Ser). This variant is not present in population databases (gnomAD no frequency). This variant has not been reported in the literature in individuals affected with CHD4-related conditions. Advanced modeling of protein sequence and biophysical properties (such as structural, functional, and spatial information, amino acid conservation, physicochemical variation, residue mobility, and thermodynamic stability) performed at Invitae indicates that this missense variant is expected to disrupt CHD4 protein function with a positive predictive value of 80%. In summary, the available evidence is currently insufficient to determine the role of this variant in disease. Therefore, it has been classified as a Variant of Uncertain Significance.

NM_001273.5(CHD4):c.2954A>C (p.Tyr985Ser)

Gene: CHD4 (chromodomain helicase DNA binding protein 4; minus strand). Cytogenetic location: 12p13.31.
Variant type: single nucleotide variant.
Coding change: c.2954A>C on transcript NM_001273.5 (MANE Select); coding-DNA position 2954, A replaced by C.
Protein change: p.Tyr985Ser; replaces tyrosine 985 with serine.
Molecular consequence: missense variant.
Genome position (GRCh38, 1-based): chr12:6,592,052, T>G on the plus strand (A>C on the coding strand, the complement: CHD4 is on the minus strand). VCF-style: chr12-6592052-T-G. GRCh37 (hg19) VCF-style: chr12-6701218-T-G.
Other names: c.2933A>C, p.Tyr978Ser (NM_001297553.2); c.2915A>C, p.Tyr972Ser (NM_001363606.2); short protein forms Y978S, Y985S, Y972S.
Identifiers: ClinVar variation 3659141 (VCV003659141.2).